The following is an entry in ClinVar:

NM_006031.6(PCNT):c.5888G>A (p.Gly1963Glu)

Gene: PCNT (pericentrin; plus strand). Cytogenetic location: 21q22.3.
Variant type: single nucleotide variant.
Coding change: c.5888G>A on transcript NM_006031.6 (MANE Select); coding-DNA position 5888, G replaced by A.
Protein change: p.Gly1963Glu; replaces glycine 1963 with glutamic acid.
Molecular consequence: missense variant.
Genome position (GRCh38, 1-based): chr21:46,411,961, G>A. VCF-style: chr21-46411961-G-A. GRCh37 (hg19) VCF-style: chr21-47831875-G-A.
Other names: c.5534G>A, p.Gly1845Glu (NM_001315529.2); short protein forms G1845E, G1963E.
Identifiers: ClinVar variation 4997943 (VCV004997943.1).
Genomic context (GRCh38, chr21:46,411,961, plus strand): 5'-GCCAGGTGGAGCTGGACAGGCGGCAGGCCCGCAGAGCCACAGCTCACACACGGGTGCCCG[G>A]GGCCCACCCACAGCCTCGCATGGATGGTGGCGCCAAGGCCCAGGTCACCGGCGACGTGGA-3'
Protein context (NP_006022.3, residues 1953-1973): RRATAHTRVP[Gly1963Glu]AHPQPRMDGG

ClinVar aggregate classification (germline): Uncertain significance (1 of 4 stars; one submission).

Conditions:
PCNT-related disorder. Also called: PCNT-related condition.

Submission:

PreventionGenetics, part of Exact Sciences
Classification: Uncertain significance for PCNT-related condition. Last evaluated: 2025-01-18. Review status: criteria provided, single submitter. Criteria: ACMG Guidelines, 2015. Collection method: clinical testing. Allele origin: germline.
Comment: The PCNT c.5888G>A variant is predicted to result in the amino acid substitution p.Gly1963Glu. To our knowledge, this variant has not been reported in the literature or in a large population database (gnomAD), indicating this variant is rare. At this time, the clinical significance of this variant is uncertain due to the absence of conclusive functional and genetic evidence.